The following is an entry in ClinVar:

ClinVar aggregate classification (germline): Benign. Review status: criteria provided, multiple submitters, no conflicts (2 of 4 stars). 2 submissions from 2 submitters: Benign (2). Last evaluated 2018-06-16.

Allele frequency attached by ClinVar (database versions not stated): gnomAD 0.07666 and 0.07133; ESP Exome Variant Server 0.07764; TOPMed 0.07887; 1000 Genomes Project 0.08267; 1000 Genomes Project 30x 0.08791; gnomAD exomes 0.00656 and 0.01775; ExAC 0.02183.
gnomAD v4.1: 20,887 of 1,612,904 alleles (1.3%); highest among the groups gnomAD compares: African/African-American, 25%; 2,436 homozygotes.

Submissions (2):

GeneDx
Classification: Benign. Last evaluated: 2018-06-16. Review status: criteria provided, single submitter. Criteria: GeneDx Variant Classification (06012015). Collection method: clinical testing. Allele origin: germline. Affected: yes.
Comment: This variant is considered likely benign or benign based on one or more of the following criteria: it is a conservative change, it occurs at a poorly conserved position in the protein, it is predicted to be benign by multiple in silico algorithms, and/or has population frequency not consistent with disease.

Breakthrough Genomics
Classification: Benign. Review status: criteria provided, single submitter. Criteria: ACMG Guidelines, 2015. Collection method: not provided. Allele origin: germline. Inheritance: Autosomal recessive inheritance. Affected: yes.

NM_001605.3(AARS1):c.1347+40C>G

Gene: AARS1 (alanyl-tRNA synthetase 1; minus strand). Cytogenetic location: 16q22.1.
Variant type: single nucleotide variant.
Coding change: c.1347+40C>G on transcript NM_001605.3 (MANE Select); 40 bases into the intron after coding-DNA position 1347, C replaced by G.
Molecular consequence: intron variant.
Genome position (GRCh38, 1-based): chr16:70,265,498, G>C on the plus strand (C>G on the coding strand, the complement: AARS1 is on the minus strand). VCF-style: chr16-70265498-G-C. GRCh37 (hg19) VCF-style: chr16-70299401-G-C.
Identifiers: ClinVar variation 675696 (VCV000675696.2), dbSNP rs7190921, ClinGen allele CA8140847.